The following is an entry in ClinVar:

NM_001292063.2(OTOG):c.6292T>C (p.Cys2098Arg)

Gene: OTOG (otogelin; plus strand). Cytogenetic location: 11p15.1.
Variant type: single nucleotide variant.
Coding change: c.6292T>C on transcript NM_001292063.2 (MANE Select); coding-DNA position 6292, T replaced by C.
Protein change: p.Cys2098Arg; replaces cysteine 2098 with arginine.
Molecular consequence: missense variant.
Genome position (GRCh38, 1-based): chr11:17,612,330, T>C. VCF-style: chr11-17612330-T-C. GRCh37 (hg19) VCF-style: chr11-17633877-T-C.
Other names: c.6328T>C, p.Cys2110Arg (NM_001277269.2); short protein forms C2098R, C2110R.
Identifiers: ClinVar variation 3253529 (VCV003253529.1), dbSNP rs1222600845.
Genomic context (GRCh38, chr11:17,612,330, plus strand): 5'-ATCCTGGGCCTCGCCGTGCGGGTGGGTGGGGACCGCTGCTGCCCACTCTGGGAGTGTGCC[T>C]GTGAGTCATGGGATCAGCGGAGCCTCCTGCATCCTCCCTGTATCCTTACCCCAGCATGAC-3'
Protein context (NP_001278992.1, residues 2088-2108): DRCCPLWECA[Cys2098Arg]RCSIFPDLSF

ClinVar aggregate classification (germline): Uncertain significance (1 of 4 stars; one submission).

Allele frequency attached by ClinVar (database versions not stated): gnomAD 0.00001; TOPMed 0.00002.

Submission:

GeneDx
Classification: Uncertain significance. Last evaluated: 2024-03-06. Review status: criteria provided, single submitter. Criteria: GeneDx Variant Classification Process June 2021. Collection method: clinical testing. Allele origin: germline. Affected: yes.
Comment: Not observed at significant frequency in large population cohorts (gnomAD); In silico analysis supports that this missense variant has a deleterious effect on protein structure/function; Has not been previously published as pathogenic or benign to our knowledge